The following is an entry in ClinVar:

ClinVar aggregate classification (germline): Likely pathogenic (1 of 4 stars; one submission).

Conditions:
Gaucher disease. Also called: Acute cerebral Gaucher disease; Cerebroside lipidosis syndrome; Gaucher splenomegaly; Sphingolipidosis 1; Glucocerebrosidosis; Glucosylceramidase deficiency. Identifiers: Orphanet 355, MedGen C0017205, MONDO:0018150.

gnomAD v4.1: 1 of 1,614,032 alleles (0.000062%); highest among the groups gnomAD compares: Non-Finnish European, 0.000085%; no homozygotes.

Submission:

Natera, Inc.
Classification: Likely pathogenic for Gaucher disease. Last evaluated: 2024-06-12. Review status: criteria provided, single submitter. Criteria: Natera Variant Classification Schema (03/2026). Collection method: clinical testing. Allele origin: germline.
Comment: The c.1188G>A variant in GBA1 is a nonsense variant predicted to introduce a stop codon at amino acid 396. This variant is expected to result in nonsense mediated decay, truncation, or a dysfunctional protein product. This variant is rare in the general population with a frequency below the threshold expected for the associated phenotype(s). Given the available evidence, this variant is classified as Likely Pathogenic.

NM_000157.4(GBA1):c.1188G>A (p.Trp396Ter)

Genes: GBA1 (glucosylceramidase beta 1; minus strand), LOC106627981 (GBA recombination region; plus strand). Cytogenetic location: 1q22.
Variant type: single nucleotide variant.
Coding change: c.1188G>A on transcript NM_000157.4 (MANE Select); coding-DNA position 1188, G replaced by A.
Protein change: p.Trp396Ter; replaces tryptophan 396 with a stop codon.
Molecular consequence: nonsense.
Genome position (GRCh38, 1-based): chr1:155,236,281, C>T on the plus strand (G>A on the coding strand, the complement: GBA1 is on the minus strand). VCF-style: chr1-155236281-C-T. GRCh37 (hg19) VCF-style: chr1-155206072-C-T.
Other names: c.1188G>A, p.Trp396Ter (NM_001005741.3, NM_001005742.3); c.927G>A, p.Trp309Ter (NM_001171811.2); c.1041G>A, p.Trp347Ter (NM_001171812.2); short protein forms W309*, W347*, W396*.
Identifiers: ClinVar variation 4817690 (VCV004817690.1).